The following is an entry in ClinVar:

NM_005751.5(AKAP9):c.1243G>A (p.Glu415Lys)

Gene: AKAP9 (A-kinase anchoring protein 9; plus strand). Cytogenetic location: 7q21.2.
Variant type: single nucleotide variant.
Coding change: c.1243G>A on transcript NM_005751.5 (MANE Select); coding-DNA position 1243, G replaced by A.
Protein change: p.Glu415Lys; replaces glutamic acid 415 with lysine.
Molecular consequence: missense variant.
Genome position (GRCh38, 1-based): chr7:92,001,160, G>A. VCF-style: chr7-92001160-G-A. GRCh37 (hg19) VCF-style: chr7-91630474-G-A.
Other names: c.1243G>A, p.Glu415Lys (NM_147185.3); short protein forms E415K.
Identifiers: ClinVar variation 2441804 (VCV002441804.5), dbSNP rs535686431, ClinGen allele CA4335987.

ClinVar aggregate classification (germline): Uncertain significance. Review status: criteria provided, multiple submitters, no conflicts (2 of 4 stars). 3 submissions from 3 submitters: Uncertain significance (3). Last evaluated 2026-01-02.

Conditions:
Cardiovascular phenotype. Identifiers: MedGen CN230736.
Long QT syndrome (LQTS). Identifiers: MedGen C0023976, MeSH D008133, MONDO:0002442. Disease mechanism: loss of function. Inheritance: Various modes of inheritance.
Long QT syndrome 11 (LQT11). Identifiers: Orphanet 101016, Orphanet 768, MedGen C2678483, MONDO:0012738, OMIM 611820.

Allele frequency attached by ClinVar (database versions not stated): TOPMed 0.00002; gnomAD 0.00003; ExAC 0.00004; gnomAD exomes 0.00005; 1000 Genomes Project 30x 0.00016; 1000 Genomes Project 0.00020.

Submissions (3):

Labcorp Genetics (formerly Invitae), Labcorp
Classification: Uncertain significance for Long QT syndrome. Last evaluated: 2026-01-02. Review status: criteria provided, single submitter. Criteria: Invitae Variant Classification Sherloc (09022015). Collection method: clinical testing. Allele origin: germline.
Comment: This sequence change replaces glutamic acid, which is acidic and polar, with lysine, which is basic and polar, at codon 415 of the AKAP9 protein (p.Glu415Lys). This variant is present in population databases (rs535686431, gnomAD 0.007%). This variant has not been reported in the literature in individuals affected with AKAP9-related conditions. ClinVar contains an entry for this variant (Variation ID: 2441804). An algorithm developed to predict the effect of missense changes on protein structure and function (PolyPhen-2) suggests that this variant is likely to be tolerated. In summary, the available evidence is currently insufficient to determine the role of this variant in disease. Therefore, it has been classified as a Variant of Uncertain Significance.

Ambry Genetics
Classification: Uncertain significance for Cardiovascular phenotype. Last evaluated: 2025-07-30. Review status: criteria provided, single submitter. Criteria: Ambry Variant Classification Scheme 2023. Collection method: clinical testing. Allele origin: germline.
Comment: The p.E415K variant (also known as c.1243G>A), located in coding exon 8 of the AKAP9 gene, results from a G to A substitution at nucleotide position 1243. The glutamic acid at codon 415 is replaced by lysine, an amino acid with similar properties. This amino acid position is well conserved in available vertebrate species. In addition, this alteration is predicted to be tolerated by in silico analysis. The evidence for this gene-disease relationship is limited; therefore, the clinical significance of this alteration is unclear.

Baylor Genetics
Classification: Uncertain significance for Long QT syndrome 11. Last evaluated: 2022-10-13. Review status: criteria provided, single submitter. Criteria: ACMG Guidelines, 2015. Collection method: clinical testing. Allele origin: unknown.